The following is an entry in ClinVar:

NM_002397.5(MEF2C):c.822C>T (p.Val274=)

Gene: MEF2C (myocyte enhancer factor 2C; minus strand). Cytogenetic location: 5q14.3.
Variant type: single nucleotide variant.
Coding change: c.822C>T on transcript NM_002397.5 (MANE Select); coding-DNA position 822, C replaced by T.
Protein change: p.Val274=; no amino-acid change (valine 274 retained).
Molecular consequence: synonymous variant. On other transcripts: intron variant (16).
Genome position (GRCh38, 1-based): chr5:88,730,223, G>A on the plus strand (C>T on the coding strand, the complement: MEF2C is on the minus strand). VCF-style: chr5-88730223-G-A. GRCh37 (hg19) VCF-style: chr5-88026040-G-A.
Other names: c.678C>T, p.Val226= (NM_001193349.3, NM_001364332.2, NM_001364344.2 and 2 more transcripts); c.822C>T, p.Val274= (NM_001193350.2, NM_001363581.2, NM_001364329.2 and 9 more transcripts); c.444C>T, p.Val148= (NM_001364353.2, NM_001364356.2); c.811-876C>T (NM_001364333.2, NM_001308002.3, NM_001364349.2 and 6 more transcripts); c.805-876C>T (NM_001131005.2, NM_001364352.2, NM_001364343.2); c.865-876C>T (NM_001193347.1, NM_001364338.2); c.667-876C>T (NM_001193348.1); c.385-876C>T (NM_001364357.2).
Identifiers: ClinVar variation 698438 (VCV000698438.13), dbSNP rs1282449699, ClinGen allele CA561144468.

ClinVar aggregate classification (germline): Likely benign. Review status: criteria provided, multiple submitters, no conflicts (2 of 4 stars). 4 submissions from 4 submitters: Likely benign (4). Last evaluated 2026-05-08.

Conditions:
MEF2C-related disorder. Also called: MEF2C-related condition; MEF2C-related disorders. Identifiers: MedGen CN381096.
Inborn genetic diseases. Identifiers: MedGen C0950123, MeSH D030342.
Neurodevelopmental disorder with hypotonia, stereotypic hand movements, and impaired language. Also called: Intellectual disability, autosomal dominant 20. Identifiers: Orphanet 228384, Orphanet 664410, MedGen C3150700, MONDO:0013266, OMIM 613443.

Allele frequency attached by ClinVar (database versions not stated): gnomAD exomes 0.00001; gnomAD 0.00002; TOPMed 0.00002.
gnomAD v4.1: 16 of 1,581,124 alleles (0.001%); highest among the groups gnomAD compares: Admixed American, 0.0054%; no homozygotes.

Submissions (4):

Women's Health and Genetics/Laboratory Corporation of America, LabCorp
Classification: Likely benign. Last evaluated: 2026-05-08. Review status: criteria provided, single submitter. Criteria: LabCorp Variant Classification Summary - May 2015. Collection method: clinical testing. Allele origin: germline.

PreventionGenetics, part of Exact Sciences
Classification: Likely benign for MEF2C-related condition. Last evaluated: 2024-12-04. Review status: criteria provided, single submitter. Criteria: ACMG Guidelines, 2015. Collection method: clinical testing. Allele origin: germline.
Comment: This variant is classified as likely benign based on ACMG/AMP sequence variant interpretation guidelines (Richards et al. 2015 PMID: 25741868, with internal and published modifications).

Labcorp Genetics (formerly Invitae), Labcorp
Classification: Likely benign for Neurodevelopmental disorder with hypotonia, stereotypic hand movements, and impaired language. Last evaluated: 2024-03-20. Review status: criteria provided, single submitter. Criteria: Invitae Variant Classification Sherloc (09022015). Collection method: clinical testing. Allele origin: germline.

Ambry Genetics
Classification: Likely benign for Inborn genetic diseases. Last evaluated: 2019-09-24. Review status: criteria provided, single submitter. Criteria: Ambry Variant Classification Scheme 2023. Collection method: clinical testing. Allele origin: germline.